The following is an entry in ClinVar:

NM_002529.4(NTRK1):c.875C>T (p.Thr292Met)

Gene: NTRK1 (neurotrophic receptor tyrosine kinase 1; plus strand). Cytogenetic location: 1q23.1.
Variant type: single nucleotide variant.
Coding change: c.875C>T on transcript NM_002529.4 (MANE Select); coding-DNA position 875, C replaced by T.
Protein change: p.Thr292Met; replaces threonine 292 with methionine.
Molecular consequence: missense variant.
Genome position (GRCh38, 1-based): chr1:156,873,657, C>T. VCF-style: chr1-156873657-C-T. GRCh37 (hg19) VCF-style: chr1-156843449-C-T.
Other names: c.785C>T, p.Thr262Met (NM_001007792.1); c.875C>T, p.Thr292Met (NM_001012331.2); c.875C>T (NM_002529.3); short protein forms T262M, T292M.
Identifiers: ClinVar variation 526724 (VCV000526724.10), dbSNP rs764645590, ClinGen allele CA1169135.

ClinVar aggregate classification (germline): Uncertain significance. Review status: criteria provided, multiple submitters, no conflicts (2 of 4 stars). 5 submissions from 5 submitters: Uncertain significance (4). 1 of the submissions does not count toward it. Last evaluated 2026-09-04.

Conditions:
NTRK1-related disorder. Also called: NTRK1-related condition.
Inborn genetic diseases. Identifiers: MedGen C0950123, MeSH D030342.
Hereditary insensitivity to pain with anhidrosis (CIPA). Also called: INSENSITIVITY TO PAIN, CONGENITAL, WITH ANHIDROSIS; NTRK1 Congenital Insensitivity to Pain with Anhidrosis; hereditary sensory and autonomic neuropathy type 4; HSAN Type IV; FAMILIAL DYSAUTONOMIA, TYPE II; NEUROPATHY, CONGENITAL SENSORY, WITH ANHIDROSIS. Identifiers: Orphanet 642, MedGen C0020074, MONDO:0009746, OMIM 256800.

Allele frequency attached by ClinVar (database versions not stated): gnomAD 0.00001; ExAC 0.00002; gnomAD exomes 0.00003; TOPMed 0.00003.
gnomAD v4.1: 48 of 1,610,336 alleles (0.003%); highest among the groups gnomAD compares: African/African-American, 0.004%; no homozygotes.

Submissions (5):

PreventionGenetics, part of Exact Sciences
Classification: Uncertain significance for NTRK1-related condition. Last evaluated: 2026-09-04. Review status: criteria provided, single submitter. Criteria: ACMG Guidelines, 2015. Collection method: clinical testing. Allele origin: germline.
Comment: The NTRK1 c.875C>T variant is predicted to result in the amino acid substitution p.Thr292Met. To our knowledge, this variant has not been reported in the literature. This variant is reported in 0.014% of alleles in individuals of African descent in gnomAD. At this time, the clinical significance of this variant is uncertain due to the absence of conclusive functional and genetic evidence.

Ambry Genetics
Classification: Uncertain significance for Inborn genetic diseases. Last evaluated: 2025-12-11. Review status: criteria provided, single submitter. Criteria: Ambry Variant Classification Scheme 2023. Collection method: clinical testing. Allele origin: germline.

Genome-Nilou Lab
Classification: Uncertain significance for Hereditary insensitivity to pain with anhidrosis. Last evaluated: 2023-04-11. Review status: criteria provided, single submitter. Criteria: ACMG Guidelines, 2015. Collection method: clinical testing. Allele origin: germline. Affected: no.

Labcorp Genetics (formerly Invitae), Labcorp
Classification: Uncertain significance for Hereditary insensitivity to pain with anhidrosis. Last evaluated: 2022-07-09. Review status: criteria provided, single submitter. Criteria: Invitae Variant Classification Sherloc (09022015). Collection method: clinical testing. Allele origin: germline.
Comment: This sequence change replaces threonine, which is neutral and polar, with methionine, which is neutral and non-polar, at codon 292 of the NTRK1 protein (p.Thr292Met). This variant is present in population databases (rs764645590, gnomAD 0.01%). This variant has not been reported in the literature in individuals affected with NTRK1-related conditions. ClinVar contains an entry for this variant (Variation ID: 526724). Advanced modeling of protein sequence and biophysical properties (such as structural, functional, and spatial information, amino acid conservation, physicochemical variation, residue mobility, and thermodynamic stability) performed at Invitae indicates that this missense variant is not expected to disrupt NTRK1 protein function. In summary, the available evidence is currently insufficient to determine the role of this variant in disease. Therefore, it has been classified as a Variant of Uncertain Significance.

Natera, Inc.
Classification: Uncertain significance for Hereditary insensitivity to pain with anhidrosis. Last evaluated: 2020-04-17. Review status: no assertion criteria provided. Collection method: clinical testing. Allele origin: germline. Not counted in ClinVar's aggregate classification.